The following is an entry in ClinVar:

NM_000322.5(PRPH2):c.662C>G (p.Pro221Arg)

Gene: PRPH2 (peripherin 2; minus strand). Cytogenetic location: 6p21.1.
Variant type: single nucleotide variant.
Coding change: c.662C>G on transcript NM_000322.5 (MANE Select); coding-DNA position 662, C replaced by G.
Protein change: p.Pro221Arg; replaces proline 221 with arginine.
Molecular consequence: missense variant.
Genome position (GRCh38, 1-based): chr6:42,704,531, G>C on the plus strand (C>G on the coding strand, the complement: PRPH2 is on the minus strand). VCF-style: chr6-42704531-G-C. GRCh37 (hg19) VCF-style: chr6-42672269-G-C.
Other names: short protein forms P221R.
Identifiers: ClinVar variation 2700422 (VCV002700422.3), dbSNP rs973931180, ClinGen allele CA364135460.

ClinVar aggregate classification (germline): Likely pathogenic (1 of 4 stars; one submission).

Conditions:
PRPH2-related disorder. Also called: PRPH2-related condition; PRPH2-related disorders. Identifiers: MedGen CN239395.

Submission:

Labcorp Genetics (formerly Invitae), Labcorp
Classification: Likely pathogenic for PRPH2-related disorder. Last evaluated: 2023-12-02. Review status: criteria provided, single submitter. Criteria: Invitae Variant Classification Sherloc (09022015). Collection method: clinical testing. Allele origin: germline.
Comment: This sequence change replaces proline, which is neutral and non-polar, with arginine, which is basic and polar, at codon 221 of the PRPH2 protein (p.Pro221Arg). This variant is not present in population databases (gnomAD no frequency). This variant has not been reported in the literature in individuals affected with PRPH2-related conditions. Advanced modeling of protein sequence and biophysical properties (such as structural, functional, and spatial information, amino acid conservation, physicochemical variation, residue mobility, and thermodynamic stability) performed at Invitae indicates that this missense variant is expected to disrupt PRPH2 protein function with a positive predictive value of 95%. This variant disrupts the p.Pro221 amino acid residue in PRPH2. Other variant(s) that disrupt this residue have been determined to be pathogenic (PMID: 19038374, 28559085; Invitae). This suggests that this residue is clinically significant, and that variants that disrupt this residue are likely to be disease-causing. In summary, the currently available evidence indicates that the variant is pathogenic, but additional data are needed to prove that conclusively. Therefore, this variant has been classified as Likely Pathogenic.

Literature cited by the submitters: PubMed 19038374; PubMed 28559085.